The following is an entry in ClinVar:

NM_013275.6(ANKRD11):c.5576C>T (p.Ser1859Leu)

Gene: ANKRD11 (ankyrin repeat domain 11; minus strand). Cytogenetic location: 16q24.3.
Variant type: single nucleotide variant.
Coding change: c.5576C>T on transcript NM_013275.6 (MANE Select); coding-DNA position 5576, C replaced by T.
Protein change: p.Ser1859Leu; replaces serine 1859 with leucine.
Molecular consequence: missense variant.
Genome position (GRCh38, 1-based): chr16:89,280,966, G>A on the plus strand (C>T on the coding strand, the complement: ANKRD11 is on the minus strand). VCF-style: chr16-89280966-G-A. GRCh37 (hg19) VCF-style: chr16-89347374-G-A.
Other names: c.5576C>T, p.Ser1859Leu (NM_001256182.2, NM_001256183.2); c.5576C>T (NM_013275.4); short protein forms S1859L.
Identifiers: ClinVar variation 2160908 (VCV002160908.5), dbSNP rs767688937, ClinGen allele CA8241796.

ClinVar aggregate classification (germline): Uncertain significance. Review status: criteria provided, multiple submitters, no conflicts (2 of 4 stars). 2 submissions from 2 submitters: Uncertain significance (2). Last evaluated 2026-02-10.

Conditions:
Inborn genetic diseases. Identifiers: MedGen C0950123, MeSH D030342.
KBG syndrome (KBGS). Also called: ANKRD11-Related KBG Syndrome. Identifiers: Orphanet 2332, MedGen C0220687, MONDO:0007846, OMIM 148050.

Allele frequency attached by ClinVar (database versions not stated): ExAC 0.00001; gnomAD exomes below 0.00001.
gnomAD v4.1: 4 of 1,570,986 alleles (0.00025%); highest among the groups gnomAD compares: Non-Finnish European, 0.00017%; no homozygotes.

Submissions (2):

Ambry Genetics
Classification: Uncertain significance for Inborn genetic diseases. Last evaluated: 2026-02-10. Review status: criteria provided, single submitter. Criteria: Ambry Variant Classification Scheme 2023. Collection method: clinical testing. Allele origin: germline.
Comment: The c.5576C>T (p.S1859L) alteration is located in exon 9 (coding exon 7) of the ANKRD11 gene. This alteration results from a C to T substitution at nucleotide position 5576, causing the serine (S) at amino acid position 1859 to be replaced by a leucine (L). Based on data from gnomAD, the T allele has an overall frequency of <0.001% (1/220768) total alleles studied. The highest observed frequency was 0.001% (1/102032) of European (non-Finnish) alleles. Based on insufficient or conflicting evidence, the clinical significance of this alteration remains unclear.

Labcorp Genetics (formerly Invitae), Labcorp
Classification: Uncertain significance for KBG syndrome. Last evaluated: 2025-10-06. Review status: criteria provided, single submitter. Criteria: Invitae Variant Classification Sherloc (09022015). Collection method: clinical testing. Allele origin: germline.
Comment: This sequence change replaces serine, which is neutral and polar, with leucine, which is neutral and non-polar, at codon 1859 of the ANKRD11 protein (p.Ser1859Leu). This variant is present in population databases (rs767688937, gnomAD 0.001%). This variant has not been reported in the literature in individuals affected with ANKRD11-related conditions. ClinVar contains an entry for this variant (Variation ID: 2160908). Invitae Evidence Modeling of protein sequence and biophysical properties (such as structural, functional, and spatial information, amino acid conservation, physicochemical variation, residue mobility, and thermodynamic stability) indicates that this missense variant is not expected to disrupt ANKRD11 protein function with a negative predictive value of 95%. In summary, the available evidence is currently insufficient to determine the role of this variant in disease. Therefore, it has been classified as a Variant of Uncertain Significance.